The following is an entry in ClinVar:

NM_000368.5(TSC1):c.2365T>G (p.Phe789Val)

Gene: TSC1 (TSC complex subunit 1; minus strand). Cytogenetic location: 9q34.13.
Variant type: single nucleotide variant.
Coding change: c.2365T>G on transcript NM_000368.5 (MANE Select); coding-DNA position 2365, T replaced by G.
Protein change: p.Phe789Val; replaces phenylalanine 789 with valine.
Molecular consequence: missense variant. On other transcripts: non-coding transcript variant (5).
Genome position (GRCh38, 1-based): chr9:132,902,631, A>C on the plus strand (T>G on the coding strand, the complement: TSC1 is on the minus strand). VCF-style: chr9-132902631-A-C. GRCh37 (hg19) VCF-style: chr9-135778018-A-C.
Other names: c.2362T>G, p.Phe788Val (NM_001406597.1, NM_001406598.1, NM_001406599.1 and 4 more transcripts); c.2350T>G, p.Phe784Val (NM_001406601.1, NM_001406602.1); c.2347T>G, p.Phe783Val (NM_001406603.1, NM_001406604.1); c.2365T>G, p.Phe789Val (NM_001406605.1, NM_001406592.1, NM_001406593.1 and 5 more transcripts); c.2002T>G, p.Phe668Val (NM_001406616.1, NM_001406617.1, NM_001406618.1 and 5 more transcripts); c.1999T>G, p.Phe667Val (NM_001406620.1, NM_001406621.1, NM_001406622.1 and 2 more transcripts); c.1414T>G, p.Phe472Val (NM_001406626.1); c.1411T>G, p.Phe471Val (NM_001406627.1, NM_001406628.1); and 3 more; short protein forms F472V, F738V, F784V, F668V, F737V, F438V, F783V, F788V.
Identifiers: ClinVar variation 3648599 (VCV003648599.2).

ClinVar aggregate classification (germline): Uncertain significance (1 of 4 stars; one submission).

Conditions:
Tuberous sclerosis 1 (TSC1). Identifiers: Orphanet 805, MedGen C1854465, MONDO:0008612, OMIM 191100.

Submission:

Labcorp Genetics (formerly Invitae), Labcorp
Classification: Uncertain significance for Tuberous sclerosis 1. Last evaluated: 2024-04-03. Review status: criteria provided, single submitter. Criteria: Invitae Variant Classification Sherloc (09022015). Collection method: clinical testing. Allele origin: germline.
Comment: This sequence change replaces phenylalanine, which is neutral and non-polar, with valine, which is neutral and non-polar, at codon 789 of the TSC1 protein (p.Phe789Val). This variant is not present in population databases (gnomAD no frequency). This variant has not been reported in the literature in individuals affected with TSC1-related conditions. Advanced modeling of protein sequence and biophysical properties (such as structural, functional, and spatial information, amino acid conservation, physicochemical variation, residue mobility, and thermodynamic stability) performed at Invitae indicates that this missense variant is not expected to disrupt TSC1 protein function with a negative predictive value of 95%. In summary, the available evidence is currently insufficient to determine the role of this variant in disease. Therefore, it has been classified as a Variant of Uncertain Significance.